The following is an entry in ClinVar:

NM_001282597.3(CTNNA2):c.24C>G (p.Ile8Met)

Gene: CTNNA2 (catenin alpha 2; plus strand). Cytogenetic location: 2p12.
Variant type: single nucleotide variant.
Coding change: c.24C>G on transcript NM_001282597.3 (MANE Select); coding-DNA position 24, C replaced by G.
Protein change: p.Ile8Met; replaces isoleucine 8 with methionine.
Molecular consequence: missense variant.
Genome position (GRCh38, 1-based): chr2:79,651,580, C>G. VCF-style: chr2-79651580-C-G. GRCh37 (hg19) VCF-style: chr2-79878706-C-G.
Other names: c.24C>G, p.Ile8Met (NM_001164883.2, NM_001399737.1, NM_004389.4); c.126C>G, p.Ile42Met (NM_001282598.2); short protein forms I42M, I8M.
Identifiers: ClinVar variation 5002997 (VCV005002997.1).

ClinVar aggregate classification (germline): Uncertain significance (1 of 4 stars; one submission).

Conditions:
Cortical dysplasia, complex, with other brain malformations 9. Identifiers: MedGen C4748540, MONDO:0032578, OMIM 618174.

Submission:

OLLIN Analises Genomicas, OLLIN
Classification: Uncertain significance for Cortical dysplasia, complex, with other brain malformations 9. Last evaluated: 2026-08-06. Review status: criteria provided, single submitter. Criteria: ACMG Guidelines 2015 PMID 25741868. Collection method: clinical testing. Allele origin: germline.
Comment: This missense variant, located in exon 2 (of 19), is absent from gnomAD and ClinVar and has not been identified in the literature. In silico analysis predicts that this variant has a tolerated effect. According to the currently available evidence, this variant has been classified as uncertain significance (PM2_P, BP4_M).